The following is an entry in ClinVar:

ClinVar aggregate classification (germline): Pathogenic (1 of 4 stars; one submission).

Conditions:
Hereditary cancer-predisposing syndrome. Also called: Hereditary Cancer Syndrome; Hereditary neoplastic syndrome; Neoplastic Syndromes, Hereditary; Tumor predisposition. Identifiers: Orphanet 140162, MedGen C0027672, MeSH D009386, MONDO:0015356.

Submission:

Ambry Genetics
Classification: Pathogenic for Hereditary cancer-predisposing syndrome. Last evaluated: 2017-09-26. Review status: criteria provided, single submitter. Criteria: Ambry Variant Classification Scheme 2023. Collection method: clinical testing. Allele origin: germline.
Comment: The c.617_623dupTTATTGA pathogenic mutation, located in coding exon 5 of the CDH1 gene, results from a duplication of TTATTGA at nucleotide position 617, causing a translational frameshift with a predicted alternate stop codon (p.E208Dfs*3). This alteration is expected to result in loss of function by premature protein truncation or nonsense-mediated mRNA decay. As such, this alteration is interpreted as a disease-causing mutation.

NM_004360.5(CDH1):c.617_623dup (p.Glu208delinsAspTyrTer)

Gene: CDH1 (cadherin 1; plus strand). Cytogenetic location: 16q22.1.
Variant type: Duplication.
Coding change: c.617_623dup on transcript NM_004360.5 (MANE Select); coding-DNA positions 617 to 623, 7 bases duplicated (TTATTGA; older notation c.617_623dupTTATTGA).
Protein change: p.Glu208delinsAspTyrTer.
Molecular consequence: nonsense. On other transcripts: 5 prime UTR variant (2), frameshift variant (1).
Genome position (GRCh38, 1-based): chr16:68,808,778-68,808,784, TTATTGA duplicated; duplicating any 7 consecutive bases within chr16:68,808,777-68,808,784 gives the same sequence; the c. name uses the placement nearest the transcript's 3' end. VCF-style (leftmost placement, unchanged base first): chr16-68808776-T-TATTATTG. GRCh37 (hg19) VCF-style: chr16-68842679-T-TATTATTG.
Other names: c.617_623dup, p.Glu208delinsAspTyrTer (NM_001317184.2); c.-999_-993dup (NM_001317185.2); c.-1203_-1197dup (NM_001317186.2); c.617_623dupTTATTGA (NM_004360.3).
Identifiers: ClinVar variation 1752004 (VCV001752004.2), dbSNP rs2543916081, ClinGen allele CA2580091938.